The following is an entry in ClinVar:

ClinVar aggregate classification (germline): Uncertain significance (1 of 4 stars; one submission).

gnomAD v4.1: 1 of 1,561,004 alleles (0.000064%); highest among the groups gnomAD compares: Non-Finnish European, 0.000087%; no homozygotes.

Submission:

Ambry Genetics
Classification: Uncertain significance. Last evaluated: 2025-02-03. Review status: criteria provided, single submitter. Criteria: Ambry Variant Classification Scheme 2023. Collection method: clinical testing. Allele origin: germline.
Comment: The p.H345R variant (also known as c.1034A>G), located in coding exon 8 of the RNF43 gene, results from an A to G substitution at nucleotide position 1034. The histidine at codon 345 is replaced by arginine, an amino acid with highly similar properties. This amino acid position is conserved. In addition, this alteration is predicted to be tolerated by in silico analysis. Based on the available evidence, the clinical significance of this variant remains unclear.

NM_017763.6(RNF43):c.1034A>G (p.His345Arg)

Gene: RNF43 (ring finger protein 43; minus strand). Cytogenetic location: 17q22.
Variant type: single nucleotide variant.
Coding change: c.1034A>G on transcript NM_017763.6 (MANE Select); coding-DNA position 1034, A replaced by G.
Protein change: p.His345Arg; replaces histidine 345 with arginine.
Molecular consequence: missense variant.
Genome position (GRCh38, 1-based): chr17:58,358,742, T>C on the plus strand (A>G on the coding strand, the complement: RNF43 is on the minus strand). VCF-style: chr17-58358742-T-C. GRCh37 (hg19) VCF-style: chr17-56436103-T-C.
Other names: c.1034A>G, p.His345Arg (NM_001305544.3); c.653A>G, p.His218Arg (NM_001305545.2); short protein forms H218R, H345R.
Identifiers: ClinVar variation 3789926 (VCV003789926.1).